The following is an entry in ClinVar:

ClinVar aggregate classification (germline): Uncertain significance (1 of 4 stars; one submission).

gnomAD v4.1: 60 of 1,613,620 alleles (0.0037%); highest among the groups gnomAD compares: Non-Finnish European, 0.0048%; no homozygotes.

Submission:

Labcorp Genetics (formerly Invitae), Labcorp
Classification: Uncertain significance. Last evaluated: 2025-07-19. Review status: criteria provided, single submitter. Criteria: Invitae Variant Classification Sherloc (09022015). Collection method: clinical testing. Allele origin: germline.
Comment: This sequence change replaces arginine, which is basic and polar, with glutamine, which is neutral and polar, at codon 238 of the BNC2 protein (p.Arg238Gln). This variant is present in population databases (rs188643589, gnomAD 0.006%). This variant has not been reported in the literature in individuals affected with BNC2-related conditions. ClinVar contains an entry for this variant (Variation ID: 3610567). An algorithm developed to predict the effect of missense changes on protein structure and function (PolyPhen-2) suggests that this variant is likely to be disruptive. In summary, the available evidence is currently insufficient to determine the role of this variant in disease. Therefore, it has been classified as a Variant of Uncertain Significance.

NM_017637.6(BNC2):c.713G>A (p.Arg238Gln)

Gene: BNC2 (basonuclin zinc finger protein 2; minus strand). Cytogenetic location: 9p22.3.
Variant type: single nucleotide variant.
Coding change: c.713G>A on transcript NM_017637.6 (MANE Select); coding-DNA position 713, G replaced by A.
Protein change: p.Arg238Gln; replaces arginine 238 with glutamine.
Molecular consequence: missense variant.
Genome position (GRCh38, 1-based): chr9:16,437,481, C>T on the plus strand (G>A on the coding strand, the complement: BNC2 is on the minus strand). VCF-style: chr9-16437481-C-T. GRCh37 (hg19) VCF-style: chr9-16437479-C-T.
Other names: c.587G>A, p.Arg196Gln (NM_001317939.2); c.428G>A, p.Arg143Gln (NM_001317940.2); short protein forms R143Q, R196Q, R238Q.
Identifiers: ClinVar variation 3610567 (VCV003610567.2).